The following is an entry in ClinVar:

NM_001244008.2(KIF1A):c.4868+1G>C

Gene: KIF1A (kinesin family member 1A; minus strand). Cytogenetic location: 2q37.3.
Variant type: single nucleotide variant.
Coding change: c.4868+1G>C on transcript NM_001244008.2 (MANE Select); the canonical splice donor site of the intron after coding-DNA position 4868, G replaced by C.
Molecular consequence: splice donor variant.
Genome position (GRCh38, 1-based): chr2:240,720,913, C>G on the plus strand (G>C on the coding strand, the complement: KIF1A is on the minus strand). VCF-style: chr2-240720913-C-G. GRCh37 (hg19) VCF-style: chr2-241660330-C-G.
Other names: c.4565+1G>C (NM_001379653.1, NM_001379650.1, NM_001379641.1 and 2 more transcripts); c.4841+1G>C (NM_001379645.1, NM_001379633.1); c.4691+1G>C (NM_001379635.1, NM_001379646.1); c.4562+1G>C (NM_001379640.1); c.4589+1G>C (NM_001379639.1); c.4592+1G>C (NM_001379649.1, NM_001320705.2); c.4679+1G>C (NM_001379636.1); c.4844+1G>C (NM_001379632.1); and 7 more.
Identifiers: ClinVar variation 532856 (VCV000532856.7), dbSNP rs1553624714, ClinGen allele CA351301390.

ClinVar aggregate classification (germline): Likely pathogenic (1 of 4 stars; one submission).

Conditions:
Neuropathy, hereditary sensory, type 2C. Also called: KIF1A-Related HSAN2 (HSAN2C); Hereditary sensory and autonomic neuropathy type IIC. Identifiers: Orphanet 970, MedGen C3280168, MONDO:0013634, OMIM 614213.
Intellectual disability, autosomal dominant 9 (NESCAVS). Also called: NESCAV SYNDROME; KIF1A-Related Neurodevelopmental Disorder. Identifiers: Orphanet 662367, MedGen C5393830, MONDO:0013656, OMIM 614255.
Hereditary spastic paraplegia 30. Identifiers: Orphanet 101010, MedGen C5235139, MONDO:0012476.

Submission:

Labcorp Genetics (formerly Invitae), Labcorp
Classification: Likely pathogenic for Hereditary spastic paraplegia 30; Neuropathy, hereditary sensory, type 2C; Intellectual disability, autosomal dominant 9. Last evaluated: 2017-09-15. Review status: criteria provided, single submitter. Criteria: Invitae Variant Classification Sherloc (09022015). Collection method: clinical testing. Allele origin: germline.
Comment: In summary, the currently available evidence indicates that the variant is pathogenic, but additional data are needed to prove that conclusively. Therefore, this variant has been classified as Likely Pathogenic. Donor and acceptor splice site variants typically lead to a loss of protein function (PMID: 16199547), and loss-of-function variants in KIF1A are known to be pathogenic (PMID: 21820098). Algorithms developed to predict the effect of sequence changes on RNA splicing suggest that this variant may disrupt the consensus splice site, but this prediction has not been confirmed by published transcriptional studies. This variant has not been reported in the literature in individuals with KIF1A-related disease. This variant is not present in population databases (ExAC no frequency). This sequence change affects a donor splice site in intron 42 of the KIF1A gene. It is expected to disrupt RNA splicing and likely results in an absent or disrupted protein product.

Literature cited by the submitters: PubMed 16199547; PubMed 21820098.